The following is an entry in ClinVar:

NM_014795.4(ZEB2):c.2337del (p.Ser780fs)

Gene: ZEB2 (zinc finger E-box binding homeobox 2; minus strand). Cytogenetic location: 2q22.3.
Variant type: Deletion.
Coding change: c.2337del on transcript NM_014795.4 (MANE Select); coding-DNA position 2337, one base deleted (G; older notation c.2337delG).
Protein change: p.Ser780fs; shifts the reading frame from serine 780.
Molecular consequence: frameshift variant.
Genome position (GRCh38, 1-based): chr2:144,398,850, C deleted on the plus strand (G on the coding strand, the reverse complement: ZEB2 is on the minus strand); the first of 2 consecutive C bases (chr2:144,398,850-144,398,851); deleting either gives the same sequence. VCF-style (leftmost placement, unchanged base first): chr2-144398849-TC-T. GRCh37 (hg19) VCF-style: chr2-145156416-TC-T.
Other names: c.2265del, p.Ser756fs (NM_001171653.2); short protein forms S756fs, S780fs.
Identifiers: ClinVar variation 569753 (VCV000569753.2), dbSNP rs1560606294, ClinGen allele CA891843434.

ClinVar aggregate classification (germline): Pathogenic (1 of 4 stars; one submission).

Conditions:
Mowat-Wilson syndrome (MOWS). Also called: Classic Mowat-Wilson Syndrome. Identifiers: Orphanet 2152, MedGen C1856113, MONDO:0009341, OMIM 235730.

Submission:

Labcorp Genetics (formerly Invitae), Labcorp
Classification: Pathogenic for Mowat-Wilson syndrome. Last evaluated: 2018-04-26. Review status: criteria provided, single submitter. Criteria: Invitae Variant Classification Sherloc (09022015). Collection method: clinical testing. Allele origin: germline.
Comment: This sequence change creates a premature translational stop signal (p.Ser780Valfs*7) in the ZEB2 gene. It is expected to result in an absent or disrupted protein product. This variant is not present in population databases (ExAC no frequency). This variant has not been reported in the literature in individuals with ZEB2-related disease. Loss-of-function variants in ZEB2 are known to be pathogenic (PMID: 16053902). For these reasons, this variant has been classified as Pathogenic.

Literature cited by the submitters: PubMed 16053902.